The following is an entry in ClinVar:

NM_001849.4(COL6A2):c.1459-2A>G

Gene: COL6A2 (collagen type VI alpha 2 chain; plus strand). Cytogenetic location: 21q22.3.
Variant type: single nucleotide variant.
Coding change: c.1459-2A>G on transcript NM_001849.4 (MANE Select); the canonical splice acceptor site of the intron before coding-DNA position 1459, A replaced by G.
Molecular consequence: splice acceptor variant.
Genome position (GRCh38, 1-based): chr21:46,121,554, A>G. VCF-style: chr21-46121554-A-G. GRCh37 (hg19) VCF-style: chr21-47541468-A-G.
Other names: IVS17AS, A-G, -2; c.1459-2A>G (NM_058175.3, NM_058174.3).
Identifiers: ClinVar variation 476452 (VCV000476452.14), dbSNP rs749974929, ClinGen allele CA10071908.
Genomic context (GRCh38, chr21:46,121,554, plus strand): 5'-TGACCCCTGGGCATGGCCAGTCCCTGCCTGTGCTGACTTCTGAATTTCTCTCCTGCCCTC[A>G]GGGATCTCGGGGAGACCCCGGTGATGCAGGACCCCGTGGAGACTCAGGACAGCCAGGCCC-3'

ClinVar aggregate classification (germline): Pathogenic. Review status: criteria provided, multiple submitters, no conflicts (2 of 4 stars). 3 submissions from 3 submitters: Pathogenic (2). 1 of the submissions does not count toward it. Last evaluated 2025-03-24.

Conditions:
Ullrich congenital muscular dystrophy 1B (UCMD1B). Identifiers: MedGen C5935582, MONDO:0958235, OMIM 620727.
Bethlem myopathy 1A. Also called: Bethlem Muscular Dystrophy; MYOPATHY, BENIGN CONGENITAL, WITH CONTRACTURES; Bethlem myopathy 1. Identifiers: Orphanet 610, MedGen CN029274, MONDO:0024530, OMIM 158810.

Allele frequency attached by ClinVar (database versions not stated): gnomAD exomes below 0.00001 and 0.00001; ExAC 0.00001.
gnomAD v4.1: 6 of 1,612,760 alleles (0.00037%); highest among the groups gnomAD compares: East Asian, 0.0022%; no homozygotes.

Submissions (3):

Variantyx, Inc.
Classification: Pathogenic for Ullrich congenital muscular dystrophy 1B. Last evaluated: 2025-03-24. Review status: criteria provided, single submitter. Criteria: Variantyx Assertion Criteria 2022. Collection method: clinical testing. Allele origin: maternal. Inheritance: Autosomal recessive inheritance.
Comment: This is a canonical splicing variant in the COL6A2 gene (OMIM: 120240). Pathogenic variants in this gene have been associated with autosomal recessive Ullrich congenital muscular dystrophy 1 (UCMD). This variant resides in intron 17 and is expected to result in loss of function, which is a known disease mechanism for COL6A2 in this disorder (PMID: 11381124) (PVS1). This variant has been reported in the compound heterozygous state in two affected siblings; this same variant was also reported to have occured de novo in an unrelated individual affected with UCMD, however, a second pathogenic variant was not identified in this individual (PMID: 11381124) (PM3). This variant has a 0.0028% maximum allele frequency in non-founder control populations (PM2). Based on the current evidence, this variant is classified as pathogenic for autosomal recessive Ullrich congenital muscular dystrophy 1.

Labcorp Genetics (formerly Invitae), Labcorp
Classification: Pathogenic for Bethlem myopathy 1A. Last evaluated: 2017-02-21. Review status: criteria provided, single submitter. Criteria: Invitae Variant Classification Sherloc (09022015). Collection method: clinical testing. Allele origin: germline.
Comment: For these reasons, this variant has been classified as Pathogenic. Experimental studies have shown that this variant leads to the use of a cryptic splice site in exon 18, causing a frameshift and premature termination codon which is expected to result in nonsense mediated decay (PMID: 11381124). This variant is also reported to occur de novo in an unrelated individual affected with UCMD. A second pathogenic variant was not found in this individual (PMID: 11381124). This variant has been observed on the opposite chromosome (in trans) from a pathogenic variant in two siblings affected with Ullrich congenital myopathy (UCMD) (PMID: 11381124). This finding is consistent with autosomal recessive inheritance, and suggests that this variant contributes to disease. This variant is present in population databases (rs749974929, ExAC 0.002%). This sequence change affects an acceptor splice site in intron 17 of the COL6A2 gene. It is expected to disrupt RNA splicing and likely results in an absent or disrupted protein product.

OMIM
Classification: Pathogenic for ULLRICH CONGENITAL MUSCULAR DYSTROPHY 1B, AUTOSOMAL RECESSIVE. Last evaluated: 2002-11-15. Review status: no assertion criteria provided. Collection method: literature only. Allele origin: germline. Not counted in ClinVar's aggregate classification.

Literature cited by the submitters: PubMed 11381124 (cited by 3 submitters); PubMed 12218063 (cited by OMIM).